The following is an entry in ClinVar:

ClinVar aggregate classification (germline): Pathogenic/Likely pathogenic. Review status: criteria provided, multiple submitters, no conflicts (2 of 4 stars). 2 submissions from 2 submitters: Pathogenic (1); Likely pathogenic (1). Last evaluated 2025-01-29.

Conditions:
GPR143-related disorders.

Submissions (2):

GeneDx
Classification: Likely pathogenic. Last evaluated: 2025-01-29. Review status: criteria provided, single submitter. Criteria: GeneDx Variant Classification Process June 2021. Collection method: clinical testing. Allele origin: germline. Affected: yes.
Comment: In silico analysis supports that this missense variant has a deleterious effect on protein structure/function; Not observed at significant frequency in large population cohorts (gnomAD); This variant is associated with the following publications: (PMID: 29345414)

Blueprint Genetics
Classification: Pathogenic for GPR143-related disorders. Last evaluated: 2020-09-11. Review status: criteria provided, single submitter. Criteria: ACMG Guidelines, 2015. Collection method: clinical testing. Allele origin: germline. Affected: yes. Observed: 1 variant allele.

NM_000273.3(GPR143):c.241G>C (p.Gly81Arg)

Gene: GPR143 (G protein-coupled receptor 143; minus strand). Cytogenetic location: Xp22.2.
Variant type: single nucleotide variant.
Coding change: c.241G>C on transcript NM_000273.3 (MANE Select); coding-DNA position 241, G replaced by C.
Protein change: p.Gly81Arg; replaces glycine 81 with arginine.
Molecular consequence: missense variant.
Genome position (GRCh38, 1-based): chrX:9,765,577, C>G on the plus strand (G>C on the coding strand, the complement: GPR143 is on the minus strand). VCF-style: chrX-9765577-C-G. GRCh37 (hg19) VCF-style: chrX-9733617-C-G.
Other names: short protein forms G81R.
Identifiers: ClinVar variation 4072447 (VCV004072447.2).
Genomic context (GRCh38, chrX:9,765,577, plus strand): 5'-CTCACCCAGGCGCTGATCAGATTCCAACCCGCGGGCCGCGCGCGCCCTTACCCAGGCAGC[C>G]GAGAAGGTCGCAGGCAGCGGCAGCGCGCAGGATGCGGACCGAGGCCGGCGGGGACGTCGC-3'
Protein context (NP_000264.2, residues 71-91): LRAAAACDLL[Gly81Arg]CLGMVIRSTV